The following is an entry in ClinVar:

ClinVar aggregate classification (germline): Uncertain significance (1 of 4 stars; one submission).

Submission:

CeGaT Center for Human Genetics Tuebingen
Classification: Uncertain significance. Last evaluated: 2024-06-01. Review status: criteria provided, single submitter. Criteria: CeGaT Center For Human Genetics Tuebingen Variant Classification Criteria Version 2. Collection method: clinical testing. Allele origin: germline. Affected: yes. Observed: 1 variant allele.
Comment: PHIP: PM2, PS2:Moderate, PM4:Supporting

NM_017934.7(PHIP):c.2233GAA[2] (p.Glu747del)

Gene: PHIP (PHIP subunit of CUL4-Ring ligase complex; minus strand). Cytogenetic location: 6q14.1.
Variant type: Microsatellite.
Coding change: c.2233GAA[2] on transcript NM_017934.7 (MANE Select); two copies in a row of the 3-base unit GAA starting at c.2233; the reference has three copies in a row; one copy, 3 bases deleted.
Protein change: p.Glu747del; deletes glutamic acid 747.
Molecular consequence: inframe deletion.
Genome position (GRCh38, 1-based): chr6:78,990,946-78,990,948, TTC deleted on the plus strand (GAA on the coding strand, the reverse complement: PHIP is on the minus strand); deleting any 3 consecutive bases within chr6:78,990,946-78,990,955 gives the same sequence; the position shown is the placement nearest the transcript's 3' end. VCF-style (leftmost placement, unchanged base first): chr6-78990945-TTTC-T. GRCh37 (hg19) VCF-style: chr6-79700662-TTTC-T.
Other names: short protein forms E747del.
Identifiers: ClinVar variation 3251139 (VCV003251139.18), dbSNP rs2482006518.